The following is an entry in ClinVar:

NM_001256071.3(RNF213):c.12637C>T (p.Arg4213Trp)

Genes: RNF213 (ring finger protein 213; plus strand), RNF213-AS1 (RNF213 antisense RNA 1; minus strand), LOC126862663 (BRD4-independent group 4 enhancer GRCh37_chr17:78345568-78346767; plus strand). Cytogenetic location: 17q25.3.
Variant type: single nucleotide variant.
Coding change: c.12637C>T on transcript NM_001256071.3 (MANE Select); coding-DNA position 12637, C replaced by T.
Protein change: p.Arg4213Trp; replaces arginine 4213 with tryptophan.
Molecular consequence: missense variant.
Genome position (GRCh38, 1-based): chr17:80,372,620, C>T. VCF-style: chr17-80372620-C-T. GRCh37 (hg19) VCF-style: chr17-78346420-C-T.
Other names: c.12784C>T, p.Arg4262Trp (NM_001410195.1, NM_020914.5); short protein forms R4213W, R4262W.
Identifiers: ClinVar variation 3068953 (VCV003068953.4), dbSNP rs150095282, ClinGen allele CA8822242.
Genomic context (GRCh38, chr17:80,372,620, plus strand): 5'-GATGAACTGAACCACCTAGAAGAGGAAGGTCGTTTCCTTAAGGCATATTCTCCAGCAAGC[C>T]GGGGCCGAGAGCCTGCCAACGAGGCCTCGGTTGAATACCTGCAAGAGGTGGCCCGGATCC-3'
Protein context (NP_001243000.2, residues 4203-4223): RFLKAYSPAS[Arg4213Trp]GREPANEASV

ClinVar aggregate classification (germline): Conflicting classifications of pathogenicity. Review status: criteria provided, conflicting classifications (1 of 4 stars). 2 submissions from 2 submitters: Uncertain significance (1); Likely benign (1). Last evaluated 2025-07-23.

Allele frequency attached by ClinVar (database versions not stated): gnomAD 0.00007; ESP Exome Variant Server 0.00008; gnomAD exomes 0.00001; ExAC 0.00002.
gnomAD v4.1: 31 of 1,613,932 alleles (0.0019%); highest among the groups gnomAD compares: Middle Eastern, 0.016%; no homozygotes.

Submissions (2):

Labcorp Genetics (formerly Invitae), Labcorp
Classification: Likely benign. Last evaluated: 2025-07-23. Review status: criteria provided, single submitter. Criteria: Invitae Variant Classification Sherloc (09022015). Collection method: clinical testing. Allele origin: germline.

Women's Health and Genetics/Laboratory Corporation of America, LabCorp
Classification: Uncertain significance. Last evaluated: 2024-02-06. Review status: criteria provided, single submitter. Criteria: LabCorp Variant Classification Summary - May 2015. Collection method: clinical testing. Allele origin: germline.
Comment: Variant summary: RNF213 c.12637C>T (p.Arg4213Trp) results in a non-conservative amino acid change in the encoded protein sequence. Three of five in-silico tools predict a damaging effect of the variant on protein function. The variant allele was found at a frequency of 2.4e-05 in 251204 control chromosomes. The available data on variant occurrences in the general population are insufficient to allow any conclusion about variant significance. To our knowledge, no occurrence of c.12637C>T in individuals affected with Moyamoya Disease 2 and no experimental evidence demonstrating its impact on protein function have been reported. No submitters have cited clinical-significance assessments for this variant to ClinVar. Based on the evidence outlined above, the variant was classified as uncertain significance.